The following is an entry in ClinVar:

NM_022437.3(ABCG8):c.1014C>G (p.Thr338=)

Gene: ABCG8 (ATP binding cassette subfamily G member 8; plus strand). Cytogenetic location: 2p21.
Variant type: single nucleotide variant.
Coding change: c.1014C>G on transcript NM_022437.3 (MANE Select); coding-DNA position 1014, C replaced by G.
Protein change: p.Thr338=; no amino-acid change (threonine 338 retained).
Molecular consequence: synonymous variant.
Genome position (GRCh38, 1-based): chr2:43,872,025, C>G. VCF-style: chr2-43872025-C-G. GRCh37 (hg19) VCF-style: chr2-44099164-C-G.
Other names: c.1014C>G, p.Thr338= (NM_001357321.2).
Identifiers: ClinVar variation 3354339 (VCV003354339.1).

ClinVar aggregate classification (germline): Likely benign (0 of 4 stars; one submission).

Conditions:
ABCG8-related disorder. Also called: ABCG8-related condition.

gnomAD v4.1: 1 of 1,614,074 alleles (0.000062%); no homozygotes.

Submission:

PreventionGenetics, part of Exact Sciences
Classification: Likely benign for ABCG8-related condition. Last evaluated: 2024-09-13. Review status: no assertion criteria provided. Collection method: clinical testing. Allele origin: germline.
Comment: This variant is classified as likely benign based on ACMG/AMP sequence variant interpretation guidelines (Richards et al. 2015 PMID: 25741868, with internal and published modifications).